The following is an entry in ClinVar:

NM_181882.3(PRX):c.1999C>G (p.Leu667Val)

Gene: PRX (periaxin; minus strand). Cytogenetic location: 19q13.2.
Variant type: single nucleotide variant.
Coding change: c.1999C>G on transcript NM_181882.3 (MANE Select); coding-DNA position 1999, C replaced by G.
Protein change: p.Leu667Val; replaces leucine 667 with valine.
Molecular consequence: missense variant. On other transcripts: 3 prime UTR variant (1).
Genome position (GRCh38, 1-based): chr19:40,396,353, G>C on the plus strand (C>G on the coding strand, the complement: PRX is on the minus strand). VCF-style: chr19-40396353-G-C. GRCh37 (hg19) VCF-style: chr19-40902260-G-C.
Other names: c.*2204C>G (NM_020956.2); short protein forms L667V.
Identifiers: ClinVar variation 663756 (VCV000663756.8), dbSNP rs1599653741, ClinGen allele CA405897218.
Genomic context (GRCh38, chr19:40,396,353, plus strand): 5'-TTGGCAGCTGCACCTCGGGGAGTCGAACCTCTGGCACAGCCATCTCAGGCATTTTAGGGA[G>C]TTTCATCTCTGGGACTTTCGGGAGCTGCACTTCCGGGAGGTGCACATCGGGCACAGCCAT-3'
Protein context (NP_870998.2, residues 657-677): VQLPKVPEMK[Leu667Val]PKMPEMAVPE

ClinVar aggregate classification (germline): Uncertain significance (1 of 4 stars; one submission).

Conditions:
Charcot-Marie-Tooth disease type 4. Also called: Charcot-Marie-Tooth, Type 4; Charcot-Marie-Tooth disease, type IV. Identifiers: Orphanet 64749, MedGen C4082197, MONDO:0018995.

Submission:

Labcorp Genetics (formerly Invitae), Labcorp
Classification: Uncertain significance for Charcot-Marie-Tooth disease type 4. Last evaluated: 2018-12-09. Review status: criteria provided, single submitter. Criteria: Invitae Variant Classification Sherloc (09022015). Collection method: clinical testing. Allele origin: germline.
Comment: This variant is not present in population databases (ExAC no frequency). This sequence change replaces leucine with valine at codon 667 of the PRX protein (p.Leu667Val). The leucine residue is highly conserved and there is a small physicochemical difference between leucine and valine. This variant has not been reported in the literature in individuals with PRX-related conditions. In summary, the available evidence is currently insufficient to determine the role of this variant in disease. Therefore, it has been classified as a Variant of Uncertain Significance. Algorithms developed to predict the effect of missense changes on protein structure and function are either unavailable or do not agree on the potential impact of this missense change (SIFT: "Tolerated"; PolyPhen-2: "Possibly Damaging"; Align-GVGD: "Class C0").